The following is an entry in ClinVar:

ClinVar aggregate classification (germline): Uncertain significance (1 of 4 stars; one submission).

Submission:

Labcorp Genetics (formerly Invitae), Labcorp
Classification: Uncertain significance. Last evaluated: 2022-05-20. Review status: criteria provided, single submitter. Criteria: Invitae Variant Classification Sherloc (09022015). Collection method: clinical testing. Allele origin: germline.
Comment: In summary, the available evidence is currently insufficient to determine the role of this variant in disease. Therefore, it has been classified as a Variant of Uncertain Significance. Algorithms developed to predict the effect of missense changes on protein structure and function output the following: SIFT: "Not Available"; PolyPhen-2: "Benign"; Align-GVGD: "Not Available". The leucine amino acid residue is found in multiple mammalian species, which suggests that this missense change does not adversely affect protein function. This variant has not been reported in the literature in individuals affected with MCPH1-related conditions. This variant is not present in population databases (gnomAD no frequency). This sequence change replaces methionine, which is neutral and non-polar, with leucine, which is neutral and non-polar, at codon 321 of the MCPH1 protein (p.Met321Leu).

NM_024596.5(MCPH1):c.961A>C (p.Met321Leu)

Gene: MCPH1 (microcephalin 1; plus strand). Cytogenetic location: 8p23.1.
Variant type: single nucleotide variant.
Coding change: c.961A>C on transcript NM_024596.5 (MANE Select); coding-DNA position 961, A replaced by C.
Protein change: p.Met321Leu; replaces methionine 321 with leucine.
Molecular consequence: missense variant. On other transcripts: non-coding transcript variant (1).
Genome position (GRCh38, 1-based): chr8:6,444,683, A>C. VCF-style: chr8-6444683-A-C. GRCh37 (hg19) VCF-style: chr8-6302204-A-C.
Other names: c.817A>C, p.Met273Leu (NM_001172575.2); c.961A>C, p.Met321Leu (NM_001322042.2, NM_001363979.1, NM_001363980.2 and 3 more transcripts); c.955A>C, p.Met319Leu (NM_001322043.2); c.859A>C, p.Met287Leu (NM_001322045.2); short protein forms M273L, M321L, M287L, M319L.
Identifiers: ClinVar variation 1996810 (VCV001996810.4), dbSNP rs2129555631, ClinGen allele CA370220304.
Genomic context (GRCh38, chr8:6,444,683, plus strand): 5'-AACTTGCAAAGAAATATTGCAGGTAAAGTAGTCACCCCTGACCAAAAGCAGGCTGCAGGT[A>C]TGTCTCAGGAGACGTTTGAAGAGAAGTATCGTTTGTCTCCTACCTTATCTTCAACAAAAG-3'
Protein context (NP_078872.3, residues 311-331): VTPDQKQAAG[Met321Leu]SQETFEEKYR